The following is an entry in ClinVar:

NM_000441.2(SLC26A4):c.1036T>A (p.Phe346Ile)

Gene: SLC26A4 (solute carrier family 26 member 4; plus strand). Cytogenetic location: 7q22.3.
Variant type: single nucleotide variant.
Coding change: c.1036T>A on transcript NM_000441.2 (MANE Select); coding-DNA position 1036, T replaced by A.
Protein change: p.Phe346Ile; replaces phenylalanine 346 with isoleucine.
Molecular consequence: missense variant.
Genome position (GRCh38, 1-based): chr7:107,689,087, T>A. VCF-style: chr7-107689087-T-A. GRCh37 (hg19) VCF-style: chr7-107329532-T-A.
Other names: short protein forms F346I.
Identifiers: ClinVar variation 1331128 (VCV001331128.2), dbSNP rs1269617308, ClinGen allele CA368838475.

ClinVar aggregate classification (germline): Uncertain significance (1 of 4 stars; one submission).

Allele frequency attached by ClinVar (database versions not stated): TOPMed below 0.00001.

Submission:

GeneDx
Classification: Uncertain significance. Last evaluated: 2021-06-28. Review status: criteria provided, single submitter. Criteria: GeneDx Variant Classification Process June 2021. Collection method: clinical testing. Allele origin: germline. Affected: yes.
Comment: Not observed at significant frequency in large population cohorts (Lek et al., 2016); In silico analysis supports that this missense variant has a deleterious effect on protein structure/function; Has not been previously published as pathogenic or benign to our knowledge; This variant is associated with the following publications: (PMID: 27535533)